The following is an entry in ClinVar:

NM_001127222.2(CACNA1A):c.4109T>G (p.Val1370Gly)

Genes: CACNA1A (calcium voltage-gated channel subunit alpha1 A; minus strand), LOC126862864 (MED14-independent group 3 enhancer GRCh37_chr19:13371552-13372751; plus strand). Cytogenetic location: 19p13.13.
Variant type: single nucleotide variant.
Coding change: c.4109T>G on transcript NM_001127222.2 (MANE Select); coding-DNA position 4109, T replaced by G.
Protein change: p.Val1370Gly; replaces valine 1370 with glycine.
Molecular consequence: missense variant.
Genome position (GRCh38, 1-based): chr19:13,261,591, A>C on the plus strand (T>G on the coding strand, the complement: CACNA1A is on the minus strand). VCF-style: chr19-13261591-A-C. GRCh37 (hg19) VCF-style: chr19-13372405-A-C.
Other names: c.4121T>G, p.Val1374Gly (NM_000068.4, NM_023035.3); c.4112T>G, p.Val1371Gly (NM_001127221.2, NM_001174080.2); short protein forms V1370G, V1371G, V1374G.
Identifiers: ClinVar variation 5018140 (VCV005018140.1).
Genomic context (GRCh38, chr19:13,261,591, plus strand): 5'-AAGATGAACATGAATAGCATGTAGACGATGAGGATGTTGAAGACGTTTTTAAGTGAGTTC[A>C]CCACACAGTCAAACACAGCCTGTGGGGTGGAGTTGACAGAGAGCATGAGGGGCTGGGGAC-3'
Protein context (NP_001120694.1, residues 1360-1380): PKLKAVFDCV[Val1370Gly]NSLKNVFNIL

ClinVar aggregate classification (germline): Uncertain significance (1 of 4 stars; one submission).

Submission:

GeneDx
Classification: Uncertain significance. Last evaluated: 2026-04-05. Review status: criteria provided, single submitter. Criteria: GeneDx Variant Classification Process June 2021. Collection method: clinical testing. Allele origin: germline.
Comment: Not observed at significant frequency in large population cohorts (gnomAD); In silico analysis supports that this missense variant has a deleterious effect on protein structure/function; Has not been previously published as pathogenic or benign to our knowledge